The following is an entry in ClinVar:

ClinVar aggregate classification (germline): Uncertain significance. Review status: criteria provided, multiple submitters, no conflicts (2 of 4 stars). 7 submissions from 7 submitters: Uncertain significance (7). Last evaluated 2025-01-29.

Conditions:
Hereditary cancer-predisposing syndrome. Also called: Hereditary neoplastic syndrome; Neoplastic Syndromes, Hereditary; Tumor predisposition; Hereditary Cancer Syndrome. Identifiers: Orphanet 140162, MedGen C0027672, MeSH D009386, MONDO:0015356.
Familial cancer of breast. Also called: Hereditary breast cancer; hereditary breast carcinoma; BREAST CANCER, FAMILIAL. Identifiers: Orphanet 227535, MedGen C0346153, MONDO:0016419, OMIM 114480. Disease mechanism: loss of function.
Fanconi anemia complementation group J. Also called: BRIP1-Related Fanconi Anemia. Identifiers: Orphanet 84, MedGen C1836860, MONDO:0012187, OMIM 609054.

Allele frequency attached by ClinVar (database versions not stated): gnomAD 0.00001; gnomAD exomes 0.00001; TOPMed 0.00001.
gnomAD v4.1: 14 of 1,613,476 alleles (0.00087%); highest among the groups gnomAD compares: Non-Finnish European, 0.0012%; no homozygotes.

Submissions (7):

Labcorp Genetics (formerly Invitae), Labcorp
Classification: Uncertain significance for Familial cancer of breast; Fanconi anemia complementation group J. Last evaluated: 2025-01-29. Review status: criteria provided, single submitter. Criteria: Invitae Variant Classification Sherloc (09022015). Collection method: clinical testing. Allele origin: germline.
Comment: This sequence change replaces alanine, which is neutral and non-polar, with serine, which is neutral and polar, at codon 406 of the BRIP1 protein (p.Ala406Ser). This variant is not present in population databases (gnomAD no frequency). This missense change has been observed in individual(s) with breast cancer (PMID: 26921362). ClinVar contains an entry for this variant (Variation ID: 407821). Invitae Evidence Modeling of protein sequence and biophysical properties (such as structural, functional, and spatial information, amino acid conservation, physicochemical variation, residue mobility, and thermodynamic stability) indicates that this missense variant is not expected to disrupt BRIP1 protein function with a negative predictive value of 95%. In summary, the available evidence is currently insufficient to determine the role of this variant in disease. Therefore, it has been classified as a Variant of Uncertain Significance.

Ambry Genetics
Classification: Uncertain significance for Hereditary cancer-predisposing syndrome. Last evaluated: 2024-07-16. Review status: criteria provided, single submitter. Criteria: Ambry Variant Classification Scheme 2023. Collection method: clinical testing. Allele origin: germline.
Comment: The p.A406S variant (also known as c.1216G>T), located in coding exon 8 of the BRIP1 gene, results from a G to T substitution at nucleotide position 1216. The alanine at codon 406 is replaced by serine, an amino acid with similar properties. In one study, this alteration was detected in a heterozygous state in 1/13,213 breast cancer cases and 0/5,242 controls from the United Kingdom (Easton DF et al. J. Med. Genet., 2016 05;53:298-309). This amino acid position is well conserved in available vertebrate species. In addition, this alteration is predicted to be tolerated by in silico analysis. Since supporting evidence is limited at this time, the clinical significance of this alteration remains unclear.

St. Jude Molecular Pathology, St. Jude Children's Research Hospital
Classification: Uncertain significance for Familial cancer of breast. Last evaluated: 2023-06-09. Review status: criteria provided, single submitter. Criteria: St. Jude Assertion Criteria 2020. Collection method: clinical testing. Allele origin: germline.
Comment: The BRIP1 c.1216G>T (p.Ala406Ser) missense change is absent in gnomAD v2.1.1. The in silico tool REVEL predicts a benign effect on protein function, but to our knowledge this prediction has not been confirmed by functional studies. This variant has been reported in an individual with breast cancer (PMID: 26921362). To our knowledge, this variant has not been reported in individuals with Fanconi anemia. In summary, the evidence currently available is insufficient to determine the clinical significance of this variant. It has therefore been classified as of uncertain significance.

GeneDx
Classification: Uncertain significance. Last evaluated: 2022-10-17. Review status: criteria provided, single submitter. Criteria: GeneDx Variant Classification Process June 2021. Collection method: clinical testing. Allele origin: germline. Affected: yes.
Comment: Not observed at significant frequency in large population cohorts (gnomAD); In silico analysis supports that this missense variant does not alter protein structure/function; Observed in individuals with breast cancer and absent in controls (Easton et al., 2016; Dorling et al., 2021); This variant is associated with the following publications: (PMID: 33471991, 26921362)

Women's Health and Genetics/Laboratory Corporation of America, LabCorp
Classification: Uncertain significance. Last evaluated: 2022-06-02. Review status: criteria provided, single submitter. Criteria: LabCorp Variant Classification Summary - May 2015. Collection method: clinical testing. Allele origin: germline.

Sema4
Classification: Uncertain significance for Hereditary cancer-predisposing syndrome. Last evaluated: 2021-04-28. Review status: criteria provided, single submitter. Criteria: Sema4 Curation Guidelines. Collection method: curation. Allele origin: germline.
Comment: The BRIP1 c.1216G>T (p.A406S) variant has been reported in heterozygosity in at least two individuals with breast cancer (PMID: 26921362, 33471991). It was not observed in the large and broad cohorts of the Genome Aggregation Database (PMID: 32461654). The variant has been reported in ClinVar (Variation ID: 407821). In silico tools suggest the impact of the variant on protein function is benign, though these predictions have not been confirmed by functional studies. The evidence is insufficient to meet ACMG/AMP criteria for classifying the variant as benign or pathogenic. Thus, the clinical significance of this variant is currently uncertain.

Color Diagnostics, LLC DBA Color Health
Classification: Uncertain significance for Hereditary cancer-predisposing syndrome. Last evaluated: 2019-05-08. Review status: criteria provided, single submitter. Criteria: ACMG Guidelines, 2015. Collection method: clinical testing. Allele origin: germline.

Literature cited by the submitters: PubMed 26921362 (cited by 3 submitters); PubMed 33471991 (cited by Sema4).

NM_032043.3(BRIP1):c.1216G>T (p.Ala406Ser)

Gene: BRIP1 (BRCA1 interacting DNA helicase 1; minus strand). Cytogenetic location: 17q23.2.
Variant type: single nucleotide variant.
Coding change: c.1216G>T on transcript NM_032043.3 (MANE Select); coding-DNA position 1216, G replaced by T.
Protein change: p.Ala406Ser; replaces alanine 406 with serine.
Molecular consequence: missense variant.
Genome position (GRCh38, 1-based): chr17:61,799,224, C>A on the plus strand (G>T on the coding strand, the complement: BRIP1 is on the minus strand). VCF-style: chr17-61799224-C-A. GRCh37 (hg19) VCF-style: chr17-59876585-C-A.
Other names: short protein forms A406S.
Identifiers: ClinVar variation 407821 (VCV000407821.16), dbSNP rs1060501747, ClinGen allele CA16615505.